The following is an entry in ClinVar:

ClinVar aggregate classification (germline): Uncertain significance (1 of 4 stars; one submission).

Conditions:
Glycogen storage disease IXa1. Also called: LIVER GLYCOGENOSIS, X-LINKED, TYPE I; GLYCOGEN STORAGE DISEASE VIII; GSD VIII; Glycogen storage disease 8. Identifiers: Orphanet 264580, MedGen C3694531, MONDO:0010598, OMIM 306000.

gnomAD v4.1: 1 of 1,211,572 alleles (0.000083%); highest among the groups gnomAD compares: Non-Finnish European, 0.00011%; no homozygotes.

Submission:

Labcorp Genetics (formerly Invitae), Labcorp
Classification: Uncertain significance for Glycogen storage disease IXa1. Last evaluated: 2024-03-23. Review status: criteria provided, single submitter. Criteria: Invitae Variant Classification Sherloc (09022015). Collection method: clinical testing. Allele origin: germline.
Comment: This sequence change replaces arginine, which is basic and polar, with serine, which is neutral and polar, at codon 67 of the PHKA2 protein (p.Arg67Ser). This variant is not present in population databases (gnomAD no frequency). This variant has not been reported in the literature in individuals affected with PHKA2-related conditions. Advanced modeling of protein sequence and biophysical properties (such as structural, functional, and spatial information, amino acid conservation, physicochemical variation, residue mobility, and thermodynamic stability) performed at Invitae indicates that this missense variant is expected to disrupt PHKA2 protein function with a positive predictive value of 80%. In summary, the available evidence is currently insufficient to determine the role of this variant in disease. Therefore, it has been classified as a Variant of Uncertain Significance.

NM_000292.3(PHKA2):c.199C>A (p.Arg67Ser)

Gene: PHKA2 (phosphorylase kinase regulatory subunit alpha 2; minus strand). Cytogenetic location: Xp22.13.
Variant type: single nucleotide variant.
Coding change: c.199C>A on transcript NM_000292.3 (MANE Select); coding-DNA position 199, C replaced by A.
Protein change: p.Arg67Ser; replaces arginine 67 with serine.
Molecular consequence: missense variant.
Genome position (GRCh38, 1-based): chrX:18,954,292, G>T on the plus strand (C>A on the coding strand, the complement: PHKA2 is on the minus strand). VCF-style: chrX-18954292-G-T. GRCh37 (hg19) VCF-style: chrX-18972410-G-T.
Other names: short protein forms R67S.
Identifiers: ClinVar variation 3704044 (VCV003704044.2).